The following is an entry in ClinVar:

NM_015338.6(ASXL1):c.1099A>G (p.Lys367Glu)

Gene: ASXL1 (ASXL transcriptional regulator 1; plus strand). Cytogenetic location: 20q11.21.
Variant type: single nucleotide variant.
Coding change: c.1099A>G on transcript NM_015338.6 (MANE Select); coding-DNA position 1099, A replaced by G.
Protein change: p.Lys367Glu; replaces lysine 367 with glutamic acid.
Molecular consequence: missense variant.
Genome position (GRCh38, 1-based): chr20:32,433,297, A>G. VCF-style: chr20-32433297-A-G. GRCh37 (hg19) VCF-style: chr20-31021100-A-G.
Other names: c.916A>G, p.Lys306Glu (NM_001363734.1); short protein forms K306E, K367E.
Identifiers: ClinVar variation 3955987 (VCV003955987.1).

ClinVar aggregate classification (germline): Uncertain significance (1 of 4 stars; one submission).

Conditions:
Inborn genetic diseases. Identifiers: MedGen C0950123, MeSH D030342.

gnomAD v4.1: 1 of 1,614,200 alleles (0.000062%); highest among the groups gnomAD compares: Non-Finnish European, 0.000085%; no homozygotes.

Submission:

Ambry Genetics
Classification: Uncertain significance for Inborn genetic diseases. Last evaluated: 2025-04-09. Review status: criteria provided, single submitter. Criteria: Ambry Variant Classification Scheme 2023. Collection method: clinical testing. Allele origin: germline.
Comment: The p.K367E variant (also known as c.1099A>G), located in coding exon 12 of the ASXL1 gene, results from an A to G substitution at nucleotide position 1099. The lysine at codon 367 is replaced by glutamic acid, an amino acid with similar properties. This amino acid position is conserved. In addition, this alteration is predicted to be tolerated by in silico analysis. Based on the available evidence, the clinical significance of this variant remains unclear.